The following is an entry in ClinVar:

NM_000883.4(IMPDH1):c.27_28delinsAA (p.Leu10Met)

Genes: IMPDH1 (inosine monophosphate dehydrogenase 1; minus strand), LOC129999258 (ATAC-STARR-seq lymphoblastoid silent region 18606; plus strand). Cytogenetic location: 7q32.1.
Variant type: Indel.
Coding change: c.27_28delinsAA on transcript NM_000883.4 (MANE Select); coding-DNA positions 27 to 28, GC replaced by AA.
Protein change: p.Leu10Met; replaces leucine 10 with methionine.
Molecular consequence: missense variant.
Genome position (GRCh38, 1-based): chr7:128,409,874-128,409,875, GC replaced by TT on the plus strand (GC replaced by AA on the coding strand, the reverse complement: IMPDH1 is on the minus strand). VCF-style: chr7-128409874-GC-TT. GRCh37 (hg19) VCF-style: chr7-128049928-GC-TT.
Other names: c.27_28delinsAA, p.Leu10Met (NM_001102605.2, NM_001142576.2, NM_001304521.2 and 1 more transcripts); short protein forms L10M.
Identifiers: ClinVar variation 1961282 (VCV001961282.5), dbSNP rs2535814453, ClinGen allele CA2580076665.

ClinVar aggregate classification (germline): Uncertain significance (1 of 4 stars; one submission).

Submission:

Labcorp Genetics (formerly Invitae), Labcorp
Classification: Uncertain significance. Last evaluated: 2022-08-09. Review status: criteria provided, single submitter. Criteria: Invitae Variant Classification Sherloc (09022015). Collection method: clinical testing. Allele origin: germline.
Comment: Experimental studies and prediction algorithms are not available or were not evaluated, and the functional significance of this variant is currently unknown. In summary, the available evidence is currently insufficient to determine the role of this variant in disease. Therefore, it has been classified as a Variant of Uncertain Significance. This variant has not been reported in the literature in individuals affected with IMPDH1-related conditions. Information on the frequency of this variant in the gnomAD database is not available, as this variant may be reported differently in the database. This sequence change replaces leucine, which is neutral and non-polar, with methionine, which is neutral and non-polar, at codon 10 of the IMPDH1 protein (p.Leu10Met).